The following is an entry in ClinVar:

ClinVar aggregate classification (germline): Uncertain significance. Review status: criteria provided, multiple submitters, no conflicts (2 of 4 stars). 2 submissions from 2 submitters: Uncertain significance (2). Last evaluated 2025-10-18.

Conditions:
Charcot-Marie-Tooth disease type 2R. Also called: Charcot-Marie-Tooth disease, axonal, type 2R; CHARCOT-MARIE-TOOTH DISEASE, AXONAL, AUTOSOMAL RECESSIVE, TYPE 2R; CHARCOT-MARIE-TOOTH NEUROPATHY, TYPE 2R. Identifiers: Orphanet 397968, MedGen C3809655, MONDO:0014208, OMIM 615490.

Allele frequency attached by ClinVar (database versions not stated): gnomAD 0.00001; gnomAD exomes 0.00001.
gnomAD v4.1: 9 of 1,614,092 alleles (0.00056%); highest among the groups gnomAD compares: South Asian, 0.0011%; no homozygotes.

Submissions (2):

Ambry Genetics
Classification: Uncertain significance. Last evaluated: 2025-10-18. Review status: criteria provided, single submitter. Criteria: Ambry Variant Classification Scheme 2023. Collection method: clinical testing. Allele origin: germline.

Labcorp Genetics (formerly Invitae), Labcorp
Classification: Uncertain significance for Charcot-Marie-Tooth disease type 2R. Last evaluated: 2024-10-16. Review status: criteria provided, single submitter. Criteria: Invitae Variant Classification Sherloc (09022015). Collection method: clinical testing. Allele origin: germline.
Comment: This sequence change replaces arginine, which is basic and polar, with histidine, which is basic and polar, at codon 522 of the TRIM2 protein (p.Arg522His). This variant is not present in population databases (gnomAD no frequency). This variant has not been reported in the literature in individuals affected with TRIM2-related conditions. ClinVar contains an entry for this variant (Variation ID: 661471). An algorithm developed to predict the effect of missense changes on protein structure and function (PolyPhen-2) suggests that this variant is likely to be disruptive. In summary, the available evidence is currently insufficient to determine the role of this variant in disease. Therefore, it has been classified as a Variant of Uncertain Significance.

NM_015271.5(TRIM2):c.1646G>A (p.Arg549His)

Gene: TRIM2 (tripartite motif containing 2; plus strand). Cytogenetic location: 4q31.3.
Variant type: single nucleotide variant.
Coding change: c.1646G>A on transcript NM_015271.5 (MANE Select); coding-DNA position 1646, G replaced by A.
Protein change: p.Arg549His; replaces arginine 549 with histidine.
Molecular consequence: missense variant.
Genome position (GRCh38, 1-based): chr4:153,315,863, G>A. VCF-style: chr4-153315863-G-A. GRCh37 (hg19) VCF-style: chr4-154237015-G-A.
Other names: c.1565G>A, p.Arg522His (NM_001130067.2, NM_001351056.2); c.1619G>A, p.Arg540His (NM_001351054.2); c.1616G>A, p.Arg539His (NM_001351055.2); c.1190G>A, p.Arg397His (NM_001351057.2); c.1646G>A (NM_015271.3); short protein forms R540H, R522H, R539H, R397H, R549H.
Identifiers: ClinVar variation 661471 (VCV000661471.9), dbSNP rs1579646798, ClinGen allele CA358468011.
Genomic context (GRCh38, chr4:153,315,863, plus strand): 5'-CATTCCAATGAATGTAATTTATCTTACAGATATTTTCCAATGATGGCCAGTTCAAAAGTC[G>A]TTTTGGCATACGGGGACGCTCTCCGGGGCAGCTGCAGCGGCCCACAGGAGTGGCTGTACA-3'
Protein context (NP_056086.2, residues 539-559): IFSNDGQFKS[Arg549His]FGIRGRSPGQ